The following is an entry in ClinVar:

NM_018089.3(ANKZF1):c.1904A>G (p.Gln635Arg)

Gene: ANKZF1 (ankyrin repeat and zinc finger peptidyl tRNA hydrolase 1; plus strand). Cytogenetic location: 2q35.
Variant type: single nucleotide variant.
Coding change: c.1904A>G on transcript NM_018089.3 (MANE Select); coding-DNA position 1904, A replaced by G.
Protein change: p.Gln635Arg; replaces glutamine 635 with arginine.
Molecular consequence: missense variant.
Genome position (GRCh38, 1-based): chr2:219,235,808, A>G. VCF-style: chr2-219235808-A-G. GRCh37 (hg19) VCF-style: chr2-220100530-A-G.
Other names: c.1904A>G, p.Gln635Arg (NM_001042410.2); c.1274A>G, p.Gln425Arg (NM_001282792.2); short protein forms Q635R, Q425R.
Identifiers: ClinVar variation 2996063 (VCV002996063.3), dbSNP rs1951201293, ClinGen allele CA350687950.

ClinVar aggregate classification (germline): Uncertain significance (1 of 4 stars; one submission).

Allele frequency attached by ClinVar (database versions not stated): TOPMed below 0.00001; gnomAD 0.00001; gnomAD exomes 0.00001.

Submission:

Labcorp Genetics (formerly Invitae), Labcorp
Classification: Uncertain significance. Last evaluated: 2024-10-21. Review status: criteria provided, single submitter. Criteria: Invitae Variant Classification Sherloc (09022015). Collection method: clinical testing. Allele origin: germline.
Comment: This sequence change replaces glutamine, which is neutral and polar, with arginine, which is basic and polar, at codon 635 of the ANKZF1 protein (p.Gln635Arg). This variant is not present in population databases (gnomAD no frequency). This variant has not been reported in the literature in individuals affected with ANKZF1-related conditions. An algorithm developed to predict the effect of missense changes on protein structure and function outputs the following: PolyPhen-2: "Benign". The arginine amino acid residue is found in multiple mammalian species, which suggests that this missense change does not adversely affect protein function. In summary, the available evidence is currently insufficient to determine the role of this variant in disease. Therefore, it has been classified as a Variant of Uncertain Significance.